The following is an entry in ClinVar:

ClinVar aggregate classification (germline): Uncertain significance (1 of 4 stars; one submission).

Conditions:
Immunodeficiency 35 (IMD35). Also called: HIES WITH ATYPICAL MYCOBACTERIOSIS, AUTOSOMAL RECESSIVE; HYPER-IgE SYNDROME WITH ATYPICAL MYCOBACTERIOSIS, AUTOSOMAL RECESSIVE; TYK2 DEFICIENCY; Susceptibility to infection due to TYK2 deficiency. Identifiers: Orphanet 331226, MedGen C1969086, MONDO:0012682, OMIM 611521.

Allele frequency attached by ClinVar (database versions not stated): TOPMed below 0.00001; gnomAD 0.00001.

Submission:

Labcorp Genetics (formerly Invitae), Labcorp
Classification: Uncertain significance for Immunodeficiency 35. Last evaluated: 2021-12-15. Review status: criteria provided, single submitter. Criteria: Invitae Variant Classification Sherloc (09022015). Collection method: clinical testing. Allele origin: germline.
Comment: Algorithms developed to predict the effect of missense changes on protein structure and function output the following: SIFT: "Not Available"; PolyPhen-2: "Benign"; Align-GVGD: "Not Available". The serine amino acid residue is found in multiple mammalian species, which suggests that this missense change does not adversely affect protein function. Algorithms developed to predict the effect of sequence changes on RNA splicing suggest that this variant may create or strengthen a splice site. In summary, the available evidence is currently insufficient to determine the role of this variant in disease. Therefore, it has been classified as a Variant of Uncertain Significance. This variant has not been reported in the literature in individuals affected with TYK2-related conditions. This sequence change replaces alanine, which is neutral and non-polar, with serine, which is neutral and polar, at codon 361 of the TYK2 protein (p.Ala361Ser). This variant is not present in population databases (gnomAD no frequency).

NM_003331.5(TYK2):c.1081G>T (p.Ala361Ser)

Gene: TYK2 (tyrosine kinase 2; minus strand). Cytogenetic location: 19p13.2.
Variant type: single nucleotide variant.
Coding change: c.1081G>T on transcript NM_003331.5 (MANE Select); coding-DNA position 1081, G replaced by T.
Protein change: p.Ala361Ser; replaces alanine 361 with serine.
Molecular consequence: missense variant. On other transcripts: intron variant (1).
Genome position (GRCh38, 1-based): chr19:10,364,979, C>A on the plus strand (G>T on the coding strand, the complement: TYK2 is on the minus strand). VCF-style: chr19-10364979-C-A. GRCh37 (hg19) VCF-style: chr19-10475655-C-A.
Other names: c.1081G>T, p.Ala361Ser (NM_001385197.1, NM_001385198.1, NM_001385199.1 and 7 more transcripts); c.991G>T, p.Ala331Ser (NM_001385205.1); c.1012-208G>T (NM_001385201.1); short protein forms A331S, A361S.
Identifiers: ClinVar variation 2043671 (VCV002043671.4), dbSNP rs1175058910, ClinGen allele CA404014998.
Genomic context (GRCh38, chr19:10,364,979, plus strand): 5'-GGAAGTCACAGAAGTAGGCCCACAGTGGCTCCCGCGGCCTGTCTGCCGGCTGGCCGACTG[C>A]CTTGTGAGCCTTGGCCTTCTTCCCAAACAGGCTGGCTTGGGGGTTCCTGCCACTGCTGCC-3'
Protein context (NP_003322.3, residues 351-371): LFGKKAKAHK[Ala361Ser]VGQPADRPRE